The following is an entry in ClinVar:

NM_001148.6(ANK2):c.1882-1G>A

Gene: ANK2 (ankyrin 2; plus strand). Cytogenetic location: 4q26.
Variant type: single nucleotide variant.
Coding change: c.1882-1G>A on transcript NM_001148.6 (MANE Select); the canonical splice acceptor site of the intron before coding-DNA position 1882, G replaced by A.
Molecular consequence: splice acceptor variant.
Genome position (GRCh38, 1-based): chr4:113,282,674, G>A. VCF-style: chr4-113282674-G-A. GRCh37 (hg19) VCF-style: chr4-114203830-G-A.
Other names: c.1870-1G>A (NM_001386186.2, NM_001386148.2); c.1672-1G>A (NM_001354269.3); c.1846-1G>A (NM_001386187.2); c.1840-1G>A (NM_001386147.1, NM_001386160.1, NM_001354261.2); c.1819-1G>A (NM_001354254.2, NM_001354239.2, NM_001354252.2 and 10 more transcripts); c.1720-1G>A (NM_001354253.2, NM_001354270.2, NM_001354257.2 and 1 more transcripts); c.1795-1G>A (NM_001354249.2, NM_001354266.2, NM_001354276.2 and 10 more transcripts); c.1696-1G>A (NM_001386151.1, NM_001354260.2, NM_001354271.2); and 8 more.
Identifiers: ClinVar variation 4613589 (VCV004613589.2).

ClinVar aggregate classification (germline): Uncertain significance (1 of 4 stars; one submission).

Conditions:
Cardiovascular phenotype. Identifiers: MedGen CN230736.

Submission:

Ambry Genetics
Classification: Uncertain significance for Cardiovascular phenotype. Last evaluated: 2026-01-16. Review status: criteria provided, single submitter. Criteria: Ambry Variant Classification Scheme 2023. Collection method: clinical testing. Allele origin: germline.
Comment: The c.1882-1G>A intronic variant consists of a G to A substitution one nucleotides before exon 18 (coding exon 18) of the ANK2 gene. Alterations that disrupt the canonical splice site are expected to result in aberrant splicing. The resulting transcript is predicted to be in-frame and is not expected to trigger nonsense-mediated mRNA decay, although direct evidence is unavailable. This variant was not reported in population-based cohorts in the Genome Aggregation Database (gnomAD). Based on insufficient or conflicting evidence, the clinical significance of this alteration remains unclear.